The following is an entry in ClinVar:

ClinVar aggregate classification (germline): Uncertain significance (1 of 4 stars; one submission).

Submission:

Labcorp Genetics (formerly Invitae), Labcorp
Classification: Uncertain significance. Last evaluated: 2025-09-10. Review status: criteria provided, single submitter. Criteria: Invitae Variant Classification Sherloc (09022015). Collection method: clinical testing. Allele origin: germline.
Comment: This sequence change replaces alanine, which is neutral and non-polar, with glycine, which is neutral and non-polar, at codon 1140 of the POLE protein (p.Ala1140Gly). This variant is not present in population databases (gnomAD no frequency). This variant has not been reported in the literature in individuals affected with POLE-related conditions. Invitae Evidence Modeling of protein sequence and biophysical properties (such as structural, functional, and spatial information, amino acid conservation, physicochemical variation, residue mobility, and thermodynamic stability) indicates that this missense variant is expected to disrupt POLE protein function with a positive predictive value of 80%. In summary, the available evidence is currently insufficient to determine the role of this variant in disease. Therefore, it has been classified as a Variant of Uncertain Significance.

NM_006231.4(POLE):c.3419C>G (p.Ala1140Gly)

Gene: POLE (DNA polymerase epsilon, catalytic subunit; minus strand). Cytogenetic location: 12q24.33.
Variant type: single nucleotide variant.
Coding change: c.3419C>G on transcript NM_006231.4 (MANE Select); coding-DNA position 3419, C replaced by G.
Protein change: p.Ala1140Gly; replaces alanine 1140 with glycine.
Molecular consequence: missense variant.
Genome position (GRCh38, 1-based): chr12:132,657,389, G>C on the plus strand (C>G on the coding strand, the complement: POLE is on the minus strand). VCF-style: chr12-132657389-G-C. GRCh37 (hg19) VCF-style: chr12-133233975-G-C.
Other names: short protein forms A1140G.
Identifiers: ClinVar variation 4745599 (VCV004745599.1).